The following is an entry in ClinVar:

NM_006231.4(POLE):c.687C>T (p.His229=)

Gene: POLE (DNA polymerase epsilon, catalytic subunit; minus strand). Cytogenetic location: 12q24.33.
Variant type: single nucleotide variant.
Coding change: c.687C>T on transcript NM_006231.4 (MANE Select); coding-DNA position 687, C replaced by T.
Protein change: p.His229=; no amino-acid change (histidine 229 retained).
Molecular consequence: synonymous variant.
Genome position (GRCh38, 1-based): chr12:132,677,611, G>A on the plus strand (C>T on the coding strand, the complement: POLE is on the minus strand). VCF-style: chr12-132677611-G-A. GRCh37 (hg19) VCF-style: chr12-133254197-G-A.
Identifiers: ClinVar variation 385418 (VCV000385418.14), dbSNP rs770920362, ClinGen allele CA6894239.
Genomic context (GRCh38, chr12:132,677,611, plus strand): 5'-GCAGCGACCCAACCCTGCCCCACTCACCACGTGGATCTTCAGGTCAATGGAGAGGCGGAT[G>A]TGGTAGGGAACATCGTACTCGCGCATGTCCACAATGTTGTCCAACTGGTCAGCTATCTTC-3'
Protein context (NP_006222.2, residues 219-239): VDMREYDVPY[His229=]IRLSIDLKIH

ClinVar aggregate classification (germline): Likely benign. Review status: criteria provided, multiple submitters, no conflicts (2 of 4 stars). 3 submissions from 3 submitters: Likely benign (3). Last evaluated 2025-11-25.

Conditions:
Hereditary cancer-predisposing syndrome. Also called: Hereditary Cancer Syndrome; Hereditary neoplastic syndrome; Neoplastic Syndromes, Hereditary; Tumor predisposition. Identifiers: Orphanet 140162, MedGen C0027672, MeSH D009386, MONDO:0015356.

Allele frequency attached by ClinVar (database versions not stated): gnomAD exomes below 0.00001 and 0.00001; ExAC 0.00001.
gnomAD v4.1: 10 of 1,614,186 alleles (0.00062%); highest among the groups gnomAD compares: Non-Finnish European, 0.00085%; no homozygotes.

Submissions (3):

Labcorp Genetics (formerly Invitae), Labcorp
Classification: Likely benign. Last evaluated: 2025-11-25. Review status: criteria provided, single submitter. Criteria: Invitae Variant Classification Sherloc (09022015). Collection method: clinical testing. Allele origin: germline.

Ambry Genetics
Classification: Likely benign for Hereditary cancer-predisposing syndrome. Last evaluated: 2020-02-15. Review status: criteria provided, single submitter. Criteria: Ambry Variant Classification Scheme 2023. Collection method: clinical testing. Allele origin: germline.

GeneDx
Classification: Likely benign. Last evaluated: 2016-04-07. Review status: criteria provided, single submitter. Criteria: GeneDx Variant Classification (06012015). Collection method: clinical testing. Allele origin: germline. Affected: yes.
Comment: This variant is considered likely benign or benign based on one or more of the following criteria: it is a conservative change, it occurs at a poorly conserved position in the protein, it is predicted to be benign by multiple in silico algorithms, and/or has population frequency not consistent with disease.